The following is an entry in ClinVar:

ClinVar aggregate classification (germline): Uncertain significance (1 of 4 stars; one submission).

Conditions:
Inborn genetic diseases. Identifiers: MedGen C0950123, MeSH D030342.

gnomAD v4.1: 1 of 1,613,630 alleles (0.000062%); highest among the groups gnomAD compares: Non-Finnish European, 0.000085%; no homozygotes.

Submission:

Ambry Genetics
Classification: Uncertain significance for Inborn genetic diseases. Last evaluated: 2025-08-30. Review status: criteria provided, single submitter. Criteria: Ambry Variant Classification Scheme 2023. Collection method: clinical testing. Allele origin: germline.
Comment: The p.D274Y variant (also known as c.820G>T), located in coding exon 5 of the MECOM gene, results from a G to T substitution at nucleotide position 820. The aspartic acid at codon 274 is replaced by tyrosine, an amino acid with highly dissimilar properties. This amino acid position is conserved. In addition, this alteration is predicted to be tolerated by in silico analysis. Based on the available evidence, the clinical significance of this variant remains unclear.

NM_004991.4(MECOM):c.820G>T (p.Asp274Tyr)

Gene: MECOM (MDS1 and EVI1 complex locus; minus strand). Cytogenetic location: 3q26.2.
Variant type: single nucleotide variant.
Coding change: c.820G>T on transcript NM_004991.4 (MANE Select); coding-DNA position 820, G replaced by T.
Protein change: p.Asp274Tyr; replaces aspartic acid 274 with tyrosine.
Molecular consequence: missense variant.
Genome position (GRCh38, 1-based): chr3:169,127,854, C>A on the plus strand (G>T on the coding strand, the complement: MECOM is on the minus strand). VCF-style: chr3-169127854-C-A. GRCh37 (hg19) VCF-style: chr3-168845642-C-A.
Other names: c.256G>T, p.Asp86Tyr (NM_001366470.2, NM_001366471.2, NM_001366472.2 and 9 more transcripts); c.820G>T, p.Asp274Tyr (NM_001366473.2, NM_001366466.2); c.448G>T, p.Asp150Tyr (NM_001105077.4); short protein forms D274Y, D86Y, D150Y.
Identifiers: ClinVar variation 4105899 (VCV004105899.1).